The following is an entry in ClinVar:

NM_000048.4(ASL):c.1143+2T>G

Gene: ASL (argininosuccinate lyase; plus strand). Cytogenetic location: 7q11.21.
Variant type: single nucleotide variant.
Coding change: c.1143+2T>G on transcript NM_000048.4 (MANE Select); the canonical splice donor site of the intron after coding-DNA position 1143, T replaced by G.
Molecular consequence: splice donor variant.
Genome position (GRCh38, 1-based): chr7:66,092,088, T>G. VCF-style: chr7-66092088-T-G. GRCh37 (hg19) VCF-style: chr7-65557075-T-G.
Other names: c.1143+2T>G (NM_001024943.2); c.1083+2T>G (NM_001024944.2); c.1065+2T>G (NM_001024946.2).
Identifiers: ClinVar variation 1328179 (VCV001328179.4), dbSNP rs2115760718, ClinGen allele CA367650684.

ClinVar aggregate classification (germline): Likely pathogenic (1 of 4 stars; one submission).

Conditions:
Argininosuccinate lyase deficiency. Also called: ARGININOSUCCINIC ACID LYASE DEFICIENCY; ASL DEFICIENCY; Argininosuccinic aciduria. Identifiers: Orphanet 23, MedGen C0268547, MONDO:0008815, OMIM 207900, HP:0025630.

Submission:

Illumina Laboratory Services, Illumina
Classification: Likely pathogenic for Argininosuccinate lyase deficiency. Last evaluated: 2021-07-15. Review status: criteria provided, single submitter. Criteria: ICSLVariantClassificationCriteria RUGD 01 April 2020. Collection method: clinical testing. Allele origin: unknown.
Comment: The ASL c.1143+2T>G variant occurs within a canonical splice site (donor) and is therefore predicted to disrupt the normal gene product. A literature search was performed for the gene and cDNA position. No publications were found based on this search. This variant is not found in version 2.1.1 or version 3.1.1 of the Genome Aggregation Database despite its location in a region of good sequencing coverage, which suggests the variant is rare. Based on the available evidence, the c.1143+2T>G variant is classified as likely pathogenic for argininosuccinate lyase deficiency.